The following is an entry in ClinVar:

ClinVar aggregate classification (germline): Likely benign. Review status: criteria provided, single submitter (1 of 4 stars). 2 submissions from 2 submitters: Likely benign (1). 1 of the submissions does not count toward it. Last evaluated 2024-06-26.

Conditions:
DNM1L-related disorder. Also called: DNM1L-related condition.

Allele frequency attached by ClinVar (database versions not stated): gnomAD exomes 0.00022; ExAC 0.00035; 1000 Genomes Project 30x 0.00187; 1000 Genomes Project 0.00200; gnomAD 0.00228; TOPMed 0.00266.
gnomAD v4.1: 707 of 1,613,684 alleles (0.044%); highest among the groups gnomAD compares: African/African-American, 0.81%; 6 homozygotes.

Submissions (2):

Blueprint Genetics
Classification: Likely benign. Last evaluated: 2024-06-26. Review status: criteria provided, single submitter. Criteria: ACMG Guidelines, 2015. Collection method: clinical testing. Allele origin: germline.

PreventionGenetics, part of Exact Sciences
Classification: Likely benign for DNM1L-related condition. Last evaluated: 2019-12-11. Review status: no assertion criteria provided. Collection method: clinical testing. Allele origin: germline. Not counted in ClinVar's aggregate classification.
Comment: This variant is classified as likely benign based on ACMG/AMP sequence variant interpretation guidelines (Richards et al. 2015 PMID: 25741868, with internal and published modifications).

NM_012062.5(DNM1L):c.*7C>T

Gene: DNM1L (dynamin 1L; plus strand). Cytogenetic location: 12p11.21.
Variant type: single nucleotide variant.
Coding change: c.*7C>T on transcript NM_012062.5 (MANE Select); 7 bases downstream of the stop codon, C replaced by T.
Molecular consequence: 3 prime UTR variant.
Genome position (GRCh38, 1-based): chr12:32,743,417, C>T. VCF-style: chr12-32743417-C-T. GRCh37 (hg19) VCF-style: chr12-32896351-C-T.
Other names: c.*7C>T (NM_001278463.2, NM_001278464.2, NM_001278465.2 and 4 more transcripts).
Identifiers: ClinVar variation 3050276 (VCV003050276.3), dbSNP rs543874475, ClinGen allele CA6507811.